The following is an entry in ClinVar:

ClinVar aggregate classification (germline): Likely benign. Review status: criteria provided, multiple submitters, no conflicts (2 of 4 stars). 2 submissions from 2 submitters: Likely benign (2). Last evaluated 2022-11-09.

Conditions:
Werner syndrome (WRN). Identifiers: Orphanet 902, MedGen C0043119, MONDO:0010196, OMIM 277700.

gnomAD v4.1: 3 of 1,614,150 alleles (0.00019%); highest among the groups gnomAD compares: Non-Finnish European, 0.00025%; no homozygotes.

Submissions (2):

Labcorp Genetics (formerly Invitae), Labcorp
Classification: Likely benign for Werner syndrome. Last evaluated: 2022-11-09. Review status: criteria provided, single submitter. Criteria: Invitae Variant Classification Sherloc (09022015). Collection method: clinical testing. Allele origin: germline.

CeGaT Center for Human Genetics Tuebingen
Classification: Likely benign. Last evaluated: 2022-04-01. Review status: criteria provided, single submitter. Criteria: CeGaT Center For Human Genetics Tuebingen Variant Classification Criteria Version 2. Collection method: clinical testing. Allele origin: germline. Affected: yes. Observed: 1 variant allele.
Comment: WRN: PM2:Supporting, BP4, BP7

NM_000553.6(WRN):c.261A>G (p.Pro87=)

Gene: WRN (WRN RecQ like helicase; plus strand). Cytogenetic location: 8p12.
Variant type: single nucleotide variant.
Coding change: c.261A>G on transcript NM_000553.6 (MANE Select); coding-DNA position 261, A replaced by G.
Protein change: p.Pro87=; no amino-acid change (proline 87 retained).
Molecular consequence: synonymous variant.
Genome position (GRCh38, 1-based): chr8:31,064,340, A>G. VCF-style: chr8-31064340-A-G. GRCh37 (hg19) VCF-style: chr8-30921856-A-G.
Identifiers: ClinVar variation 1139403 (VCV001139403.31), dbSNP rs2130032327, ClinGen allele CA460219691.
Genomic context (GRCh38, chr8:31,064,340, plus strand): 5'-TCACTTTAGCATGAGTCTATCAGATGGGGATGTGGTGGGATTTGACATGGAGTGGCCACC[A>G]TTATACAATAGAGGGAAACTTGGCAAAGTTGCACTAATTCAGTTGTGTGTTTCTGAGAGC-3'
Protein context (NP_000544.2, residues 77-97): DVVGFDMEWP[Pro87=]LYNRGKLGKV